The following is an entry in ClinVar:

NM_004484.4(GPC3):c.1078G>T (p.Ala360Ser)

Gene: GPC3 (glypican 3; minus strand). Cytogenetic location: Xq26.2.
Variant type: single nucleotide variant.
Coding change: c.1078G>T on transcript NM_004484.4 (MANE Select); coding-DNA position 1078, G replaced by T.
Protein change: p.Ala360Ser; replaces alanine 360 with serine.
Molecular consequence: missense variant.
Genome position (GRCh38, 1-based): chrX:133,699,983, C>A on the plus strand (G>T on the coding strand, the complement: GPC3 is on the minus strand). VCF-style: chrX-133699983-C-A. GRCh37 (hg19) VCF-style: chrX-132834011-C-A.
Other names: c.1147G>T, p.Ala383Ser (NM_001164617.2); c.1030G>T, p.Ala344Ser (NM_001164618.2); c.916G>T, p.Ala306Ser (NM_001164619.2); short protein forms A360S, A306S, A344S, A383S.
Identifiers: ClinVar variation 661857 (VCV000661857.36), dbSNP rs779187915, ClinGen allele CA10520731.
Genomic context (GRCh38, chrX:133,699,983, plus strand): 5'-GTTCTACATGAGCAACTTTTAATACTTTCTTGTCAATAAAGAGATCTTCAGGATAATAAG[C>A]AGATCTATATTGGCGTTGTTGAGAATGGGCACATAACTTGCCAATCTGAAAAAAGAAATG-3'
Protein context (NP_004475.1, residues 350-370): AHSQQRQYRS[Ala360Ser]YYPEDLFIDK

ClinVar aggregate classification (germline): Conflicting classifications of pathogenicity. Review status: criteria provided, conflicting classifications (1 of 4 stars). 4 submissions from 4 submitters: Uncertain significance (1); Likely benign (3). Last evaluated 2026-08-01.

Conditions:
Inborn genetic diseases. Identifiers: MedGen C0950123, MeSH D030342.
Wilms tumor 1 (WT1). Also called: Wilms tumor, somatic. Identifiers: Orphanet 654, MedGen CN033288, MONDO:0008679, OMIM 194070.

Allele frequency attached by ClinVar (database versions not stated): gnomAD 0.00005; ExAC 0.00001; gnomAD exomes 0.00001; TOPMed 0.00002.
gnomAD v4.1: 13 of 1,189,700 alleles (0.0011%); highest among the groups gnomAD compares: Non-Finnish European, 0.0015%; no homozygotes.

Submissions (4):

CeGaT Center for Human Genetics Tuebingen
Classification: Likely benign. Last evaluated: 2026-08-01. Review status: criteria provided, single submitter. Criteria: CeGaT Center For Human Genetics Tuebingen Variant Classification Criteria Version 2. Collection method: clinical testing. Allele origin: germline. Affected: yes. Observed: 2 variant alleles.
Comment: GPC3: BS2

Ambry Genetics
Classification: Uncertain significance for Inborn genetic diseases. Last evaluated: 2025-10-02. Review status: criteria provided, single submitter. Criteria: Ambry Variant Classification Scheme 2023. Collection method: clinical testing. Allele origin: germline.

Labcorp Genetics (formerly Invitae), Labcorp
Classification: Likely benign for Wilms tumor 1. Last evaluated: 2025-09-15. Review status: criteria provided, single submitter. Criteria: Invitae Variant Classification Sherloc (09022015). Collection method: clinical testing. Allele origin: germline.

Blueprint Genetics
Classification: Likely benign. Last evaluated: 2024-11-13. Review status: criteria provided, single submitter. Criteria: ACMG Guidelines, 2015. Collection method: clinical testing. Allele origin: germline.